The following is an entry in ClinVar:

ClinVar aggregate classification (germline): Likely benign. Review status: criteria provided, single submitter (1 of 4 stars). 2 submissions from 2 submitters: Likely benign (1). 1 of the submissions does not count toward it. Last evaluated 2024-06-07.

Conditions:
PKD1-related disorder. Also called: PKD1-related condition.

gnomAD v4.1: 42 of 1,608,736 alleles (0.0026%); highest among the groups gnomAD compares: African/African-American, 0.004%; no homozygotes.

Submissions (2):

Blueprint Genetics
Classification: Likely benign. Last evaluated: 2024-06-07. Review status: criteria provided, single submitter. Criteria: ACMG Guidelines, 2015. Collection method: clinical testing. Allele origin: germline.

PreventionGenetics, part of Exact Sciences
Classification: Likely benign for PKD1-related condition. Last evaluated: 2022-05-13. Review status: no assertion criteria provided. Collection method: clinical testing. Allele origin: germline. Not counted in ClinVar's aggregate classification.
Comment: This variant is classified as likely benign based on ACMG/AMP sequence variant interpretation guidelines (Richards et al. 2015 PMID: 25741868, with internal and published modifications).

NM_001009944.3(PKD1):c.10917G>T (p.Val3639=)

Genes: PKD1 (polycystin 1, transient receptor potential channel interacting; minus strand), PKD1-AS1 (PKD1 antisense RNA 1; plus strand). Cytogenetic location: 16p13.3.
Variant type: single nucleotide variant.
Coding change: c.10917G>T on transcript NM_001009944.3 (MANE Select); coding-DNA position 10917, G replaced by T.
Protein change: p.Val3639=; no amino-acid change (valine 3639 retained).
Molecular consequence: synonymous variant.
Genome position (GRCh38, 1-based): chr16:2,093,643, C>A on the plus strand (G>T on the coding strand, the complement: PKD1 is on the minus strand). VCF-style: chr16-2093643-C-A. GRCh37 (hg19) VCF-style: chr16-2143644-C-A.
Other names: c.10914G>T, p.Val3638= (NM_000296.4).
Identifiers: ClinVar variation 3358333 (VCV003358333.2).